The following is an entry in ClinVar:

NM_001166108.2(PALLD):c.1965-12824C>A

Gene: PALLD (palladin, cytoskeletal associated protein; plus strand). Cytogenetic location: 4q32.3.
Variant type: single nucleotide variant.
Coding change: c.1965-12824C>A on transcript NM_001166108.2 (MANE Select); 12824 bases into the intron before coding-DNA position 1965, C replaced by A.
Molecular consequence: intron variant. On other transcripts: missense variant (1).
Genome position (GRCh38, 1-based): chr4:168,878,098, C>A. VCF-style: chr4-168878098-C-A. GRCh37 (hg19) VCF-style: chr4-169799249-C-A.
Other names: c.207C>A, p.Phe69Leu (NM_001166110.2); c.1965-12824C>A (NM_016081.4); c.819-12824C>A (NM_001166109.2); c.-157-12824C>A (NM_001367570.1, NM_001367568.1, NM_001367567.1 and 1 more transcripts); short protein forms F69L.
Identifiers: ClinVar variation 3927530 (VCV003927530.1).
Genomic context (GRCh38, chr4:168,878,098, plus strand): 5'-CCTCCCGTCGCCCATGTCCCCGACGCCGAGGCAGTTCGGCCGCGCCCCCGTGCCGCCCTT[C>A]GCGCAGCCCTTCGGCGCTGAGCCCGAGGCCCCGTGGGGCTCCTCCTCGCCGTCGCCCCCG-3'

ClinVar aggregate classification (germline): Uncertain significance (1 of 4 stars; one submission).

Submission:

Ambry Genetics
Classification: Uncertain significance. Last evaluated: 2025-04-12. Review status: criteria provided, single submitter. Criteria: Ambry Variant Classification Scheme 2023. Collection method: clinical testing. Allele origin: germline.
Comment: The p.F69L variant (also known as c.207C>A), located in coding exon 1 of the PALLD gene, results from a C to A substitution at nucleotide position 207. The phenylalanine at codon 69 is replaced by leucine, an amino acid with highly similar properties. This amino acid position is conserved. In addition, this alteration is predicted to be tolerated by in silico analysis. Based on the available evidence, the clinical significance of this variant remains unclear.